The following is an entry in ClinVar:

ClinVar aggregate classification (germline): Uncertain significance (1 of 4 stars; one submission).

Submission:

Ambry Genetics
Classification: Uncertain significance. Last evaluated: 2025-03-19. Review status: criteria provided, single submitter. Criteria: Ambry Variant Classification Scheme 2023. Collection method: clinical testing. Allele origin: germline.
Comment: The p.F346S variant (also known as c.1037T>C), located in coding exon 3 of the EGLN1 gene, results from a T to C substitution at nucleotide position 1037. The phenylalanine at codon 346 is replaced by serine, an amino acid with highly dissimilar properties. This amino acid position is conserved. In addition, this alteration is predicted to be deleterious by in silico analysis. Based on the available evidence, the clinical significance of this variant remains unclear.

NM_022051.3(EGLN1):c.1037T>C (p.Phe346Ser)

Gene: EGLN1 (egl-9 family hypoxia inducible factor 1; minus strand). Cytogenetic location: 1q42.2.
Variant type: single nucleotide variant.
Coding change: c.1037T>C on transcript NM_022051.3 (MANE Select); coding-DNA position 1037, T replaced by C.
Protein change: p.Phe346Ser; replaces phenylalanine 346 with serine.
Molecular consequence: missense variant. On other transcripts: intron variant (1).
Genome position (GRCh38, 1-based): chr1:231,370,673, A>G on the plus strand (T>C on the coding strand, the complement: EGLN1 is on the minus strand). VCF-style: chr1-231370673-A-G. GRCh37 (hg19) VCF-style: chr1-231506419-A-G.
Other names: c.1037T>C, p.Phe346Ser (NM_001377260.1); c.1012-3037T>C (NM_001377261.1); short protein forms F346S.
Identifiers: ClinVar variation 4016842 (VCV004016842.1).
Genomic context (GRCh38, chr1:231,370,673, plus strand): 5'-AAAAACAGCAGTCTATCAAATTTGGGTTCAATGTCAGCAAACTGGGCTTTGCCTTCTGGA[A>G]AAATTCGAAGTATACCTCCACTTACCTAGGAAAAGAGCCAAATATGTAAGCAGGAGTAAC-3'
Protein context (NP_071334.1, residues 336-356): AKVSGGILRI[Phe346Ser]PEGKAQFADI